The following is an entry in ClinVar:

ClinVar aggregate classification (germline): Uncertain significance (1 of 4 stars; one submission).

Submission:

GeneDx
Classification: Uncertain significance. Last evaluated: 2023-02-06. Review status: criteria provided, single submitter. Criteria: GeneDx Variant Classification Process June 2021. Collection method: clinical testing. Allele origin: germline.
Comment: Not observed at significant frequency in large population cohorts (gnomAD); In silico analysis supports that this missense variant has a deleterious effect on protein structure/function; Has not been previously published as pathogenic or benign to our knowledge; This variant is associated with the following publications: (PMID: 26100331, 25609763, 25512093)

NM_001376.5(DYNC1H1):c.986T>C (p.Val329Ala)

Gene: DYNC1H1 (dynein cytoplasmic 1 heavy chain 1; plus strand). Cytogenetic location: 14q32.31.
Variant type: single nucleotide variant.
Coding change: c.986T>C on transcript NM_001376.5 (MANE Select); coding-DNA position 986, T replaced by C.
Protein change: p.Val329Ala; replaces valine 329 with alanine.
Molecular consequence: missense variant.
Genome position (GRCh38, 1-based): chr14:101,983,043, T>C. VCF-style: chr14-101983043-T-C. GRCh37 (hg19) VCF-style: chr14-102449380-T-C.
Other names: short protein forms V329A.
Identifiers: ClinVar variation 1803619 (VCV001803619.2), dbSNP rs2503685298, ClinGen allele CA391012187.